The following is an entry in ClinVar:

ClinVar aggregate classification (germline): Uncertain significance. Review status: criteria provided, multiple submitters, no conflicts (2 of 4 stars). 2 submissions from 2 submitters: Uncertain significance (2). Last evaluated 2025-10-05.

Conditions:
Beckwith-Wiedemann syndrome (BWS). Also called: EMG SYNDROME; Exomphalos macroglossia gigantism syndrome. Identifiers: Orphanet 116, MedGen C0004903, MONDO:0007534, OMIM 130650.

Allele frequency attached by ClinVar (database versions not stated): TOPMed 0.00001; ExAC 0.00006.

Submissions (2):

Labcorp Genetics (formerly Invitae), Labcorp
Classification: Uncertain significance for Beckwith-Wiedemann syndrome. Last evaluated: 2025-10-05. Review status: criteria provided, single submitter. Criteria: Invitae Variant Classification Sherloc (09022015). Collection method: clinical testing. Allele origin: germline.
Comment: This sequence change replaces alanine, which is neutral and non-polar, with serine, which is neutral and polar, at codon 301 of the CDKN1C protein (p.Ala301Ser). The frequency data for this variant in the population databases is considered unreliable, as metrics indicate poor data quality at this position in the gnomAD database. This variant has not been reported in the literature in individuals affected with CDKN1C-related conditions. ClinVar contains an entry for this variant (Variation ID: 454041). Invitae Evidence Modeling of protein sequence and biophysical properties (such as structural, functional, and spatial information, amino acid conservation, physicochemical variation, residue mobility, and thermodynamic stability) indicates that this missense variant is not expected to disrupt CDKN1C protein function with a negative predictive value of 80%. In summary, the available evidence is currently insufficient to determine the role of this variant in disease. Therefore, it has been classified as a Variant of Uncertain Significance.

Baylor Genetics
Classification: Uncertain significance for Beckwith-Wiedemann syndrome. Last evaluated: 2024-03-12. Review status: criteria provided, single submitter. Criteria: ACMG Guidelines, 2015. Collection method: clinical testing. Allele origin: unknown.

NM_001122630.2(CDKN1C):c.868G>T (p.Ala290Ser)

Gene: CDKN1C (cyclin dependent kinase inhibitor 1C; minus strand). Cytogenetic location: 11p15.4.
Variant type: single nucleotide variant.
Coding change: c.868G>T on transcript NM_001122630.2 (MANE Select); coding-DNA position 868, G replaced by T.
Protein change: p.Ala290Ser; replaces alanine 290 with serine.
Molecular consequence: missense variant. On other transcripts: synonymous variant (1).
Genome position (GRCh38, 1-based): chr11:2,884,054, C>A on the plus strand (G>T on the coding strand, the complement: CDKN1C is on the minus strand). VCF-style: chr11-2884054-C-A. GRCh37 (hg19) VCF-style: chr11-2905284-C-A.
Other names: c.901G>T, p.Ala301Ser (LRG_533t1, NM_000076.2, NM_001362474.2); c.868G>T, p.Ala290Ser (NM_001122631.2); c.336G>T, p.Pro112= (NM_001362475.2); short protein forms A301S, A290S.
Identifiers: ClinVar variation 454041 (VCV000454041.12), dbSNP rs749702191, ClinGen allele CA5822142.
Genomic context (GRCh38, chr11:2,884,054, plus strand): 5'-CTCACTTGGCTCACCGCAGCCTCTTGCGCGGGGTCTGCTCCACCGAGCCCACGCCAGGGG[C>A]GGCGCTTGGAGAGGGACACGGCGCGGGGACATCGCCCGACGACTTCTCAGGCGCTGATCT-3'
Protein context (NP_001116102.1, residues 280-300): VPAPCPSPSA[Ala290Ser]PGVGSVEQTP